The following is an entry in ClinVar:

ClinVar aggregate classification (germline): Uncertain significance (1 of 4 stars; one submission).

Conditions:
Ataxia-telangiectasia syndrome (AT). Also called: Ataxia-telangiectasia, complementation group D; AT, COMPLEMENTATION GROUP C; Ataxia telangiectasia (A-T); Cerebello-oculocutaneous telangiectasia; Immunodeficiency with ataxia telangiectasia; Ataxia-telangiectasia. Identifiers: Orphanet 100, MedGen C0004135, MONDO:0008840, OMIM 208900.

Submission:

Labcorp Genetics (formerly Invitae), Labcorp
Classification: Uncertain significance for Ataxia-telangiectasia syndrome. Last evaluated: 2020-05-15. Review status: criteria provided, single submitter. Criteria: Invitae Variant Classification Sherloc (09022015). Collection method: clinical testing. Allele origin: germline.
Comment: In summary, the available evidence is currently insufficient to determine the role of this variant in disease. Therefore, it has been classified as a Variant of Uncertain Significance. Algorithms developed to predict the effect of missense changes on protein structure and function (SIFT, PolyPhen-2, Align-GVGD) all suggest that this variant is likely to be tolerated, but these predictions have not been confirmed by published functional studies and their clinical significance is uncertain. This variant has not been reported in the literature in individuals with ATM-related conditions. ClinVar contains an entry for this variant (Variation ID: 844566). This variant is not present in population databases (ExAC no frequency). This sequence change replaces methionine with arginine at codon 349 of the ATM protein (p.Met349Arg). The methionine residue is moderately conserved and there is a moderate physicochemical difference between methionine and arginine.

NM_000051.4(ATM):c.1046T>G (p.Met349Arg)

Gene: ATM (ATM serine/threonine kinase; plus strand). Cytogenetic location: 11q22.3.
Variant type: single nucleotide variant.
Coding change: c.1046T>G on transcript NM_000051.4 (MANE Select); coding-DNA position 1046, T replaced by G.
Protein change: p.Met349Arg; replaces methionine 349 with arginine.
Molecular consequence: missense variant.
Genome position (GRCh38, 1-based): chr11:108,247,108, T>G. VCF-style: chr11-108247108-T-G. GRCh37 (hg19) VCF-style: chr11-108117835-T-G.
Other names: c.1046T>G, p.Met349Arg (NM_001351834.2); short protein forms M349R.
Identifiers: ClinVar variation 844566 (VCV000844566.9), dbSNP rs1555068577, ClinGen allele CA382531736.